The following is an entry in ClinVar:

NM_152641.4(ARID2):c.1673G>A (p.Arg558His)

Gene: ARID2 (AT-rich interaction domain 2; plus strand). Cytogenetic location: 12q12.
Variant type: single nucleotide variant.
Coding change: c.1673G>A on transcript NM_152641.4 (MANE Select); coding-DNA position 1673, G replaced by A.
Protein change: p.Arg558His; replaces arginine 558 with histidine.
Molecular consequence: missense variant.
Genome position (GRCh38, 1-based): chr12:45,848,928, G>A. VCF-style: chr12-45848928-G-A. GRCh37 (hg19) VCF-style: chr12-46242711-G-A.
Other names: c.1673G>A, p.Arg558His (NM_001347839.2); short protein forms R558H.
Identifiers: ClinVar variation 3013940 (VCV003013940.3), dbSNP rs1331723696, ClinGen allele CA384465714.

ClinVar aggregate classification (germline): Uncertain significance (1 of 4 stars; one submission).

Allele frequency attached by ClinVar (database versions not stated): TOPMed below 0.00001; gnomAD 0.00001.
gnomAD v4.1: 9 of 1,612,422 alleles (0.00056%); highest among the groups gnomAD compares: Admixed American, 0.0017%; no homozygotes.

Submission:

Labcorp Genetics (formerly Invitae), Labcorp
Classification: Uncertain significance. Last evaluated: 2023-03-27. Review status: criteria provided, single submitter. Criteria: Invitae Variant Classification Sherloc (09022015). Collection method: clinical testing. Allele origin: germline.
Comment: In summary, the available evidence is currently insufficient to determine the role of this variant in disease. Therefore, it has been classified as a Variant of Uncertain Significance. Experimental studies and prediction algorithms are not available or were not evaluated, and the functional significance of this variant is currently unknown. This variant has not been reported in the literature in individuals affected with ARID2-related conditions. This variant is present in population databases (no rsID available, gnomAD 0.003%). This sequence change replaces arginine, which is basic and polar, with histidine, which is basic and polar, at codon 558 of the ARID2 protein (p.Arg558His).